The following is an entry in ClinVar:

NM_001256789.3(CACNA1F):c.233C>T (p.Ala78Val)

Gene: CACNA1F (calcium voltage-gated channel subunit alpha1 F; minus strand). Cytogenetic location: Xp11.23.
Variant type: single nucleotide variant.
Coding change: c.233C>T on transcript NM_001256789.3 (MANE Select); coding-DNA position 233, C replaced by T.
Protein change: p.Ala78Val; replaces alanine 78 with valine.
Molecular consequence: missense variant. On other transcripts: intron variant (1).
Genome position (GRCh38, 1-based): chrX:49,231,720, G>A on the plus strand (C>T on the coding strand, the complement: CACNA1F is on the minus strand). VCF-style: chrX-49231720-G-A. GRCh37 (hg19) VCF-style: chrX-49088182-G-A.
Other names: c.233C>T, p.Ala78Val (NM_005183.4); c.66-28C>T (NM_001256790.3); short protein forms A78V.
Identifiers: ClinVar variation 4535278 (VCV004535278.6).

ClinVar aggregate classification (germline): Likely benign (1 of 4 stars; one submission).

gnomAD v4.1: 11 of 1,211,935 alleles (0.00091%); highest among the groups gnomAD compares: South Asian, 0.012%; no homozygotes.

Submission:

CeGaT Center for Human Genetics Tuebingen
Classification: Likely benign. Last evaluated: 2025-11-01. Review status: criteria provided, single submitter. Criteria: CeGaT Center For Human Genetics Tuebingen Variant Classification Criteria Version 2. Collection method: clinical testing. Allele origin: germline. Affected: yes. Observed: 1 variant allele.
Comment: CACNA1F: BP4